The following is an entry in ClinVar:

ClinVar aggregate classification (germline): Uncertain significance. Review status: criteria provided, multiple submitters, no conflicts (2 of 4 stars). 2 submissions from 2 submitters: Uncertain significance (2). Last evaluated 2026-01-16.

Conditions:
Spastic paraplegia. Identifiers: MedGen C0037772, HP:0001258.

Allele frequency attached by ClinVar (database versions not stated): gnomAD 0.00001.
gnomAD v4.1: 5 of 1,613,610 alleles (0.00031%); highest among the groups gnomAD compares: East Asian, 0.0022%; no homozygotes.

Submissions (2):

GeneDx
Classification: Uncertain significance. Last evaluated: 2026-01-16. Review status: criteria provided, single submitter. Criteria: GeneDx Variant Classification Process June 2021. Collection method: clinical testing. Allele origin: germline.
Comment: Not observed at significant frequency in large population cohorts (gnomAD); In silico analysis suggests that this missense variant does not alter protein structure/function; Has not been previously published as pathogenic or benign to our knowledge

Labcorp Genetics (formerly Invitae), Labcorp
Classification: Uncertain significance for Spastic paraplegia. Last evaluated: 2021-12-02. Review status: criteria provided, single submitter. Criteria: Invitae Variant Classification Sherloc (09022015). Collection method: clinical testing. Allele origin: germline.
Comment: In summary, the available evidence is currently insufficient to determine the role of this variant in disease. Therefore, it has been classified as a Variant of Uncertain Significance. Advanced modeling of protein sequence and biophysical properties (such as structural, functional, and spatial information, amino acid conservation, physicochemical variation, residue mobility, and thermodynamic stability) performed at Invitae indicates that this missense variant is not expected to disrupt KIF5A protein function. This variant has not been reported in the literature in individuals affected with KIF5A-related conditions. This variant is not present in population databases (gnomAD no frequency). This sequence change replaces glycine, which is neutral and non-polar, with arginine, which is basic and polar, at codon 623 of the KIF5A protein (p.Gly623Arg).

NM_004984.4(KIF5A):c.1867G>A (p.Gly623Arg)

Gene: KIF5A (kinesin family member 5A; plus strand). Cytogenetic location: 12q13.3.
Variant type: single nucleotide variant.
Coding change: c.1867G>A on transcript NM_004984.4 (MANE Select); coding-DNA position 1867, G replaced by A.
Protein change: p.Gly623Arg; replaces glycine 623 with arginine.
Molecular consequence: missense variant.
Genome position (GRCh38, 1-based): chr12:57,575,234, G>A. VCF-style: chr12-57575234-G-A. GRCh37 (hg19) VCF-style: chr12-57969017-G-A.
Other names: c.1600G>A, p.Gly534Arg (NM_001354705.2); c.1867G>A (NM_004984.2); short protein forms G534R, G623R.
Identifiers: ClinVar variation 1439103 (VCV001439103.9), dbSNP rs1882386176, ClinGen allele CA385509192.